The following is an entry in ClinVar:

ClinVar aggregate classification (germline): Benign/Likely benign. Review status: criteria provided, multiple submitters, no conflicts (2 of 4 stars). 5 submissions from 5 submitters: Benign (1); Likely benign (4). Last evaluated 2025-05-13.

Conditions:
Lynch syndrome 5 (LYNCH5). Also called: Colorectal cancer, hereditary nonpolyposis, type 5; Hereditary non-polyposis colorectal cancer, type 5. Identifiers: Orphanet 144, MedGen C1833477, MONDO:0013710, OMIM 614350. Disease mechanism: loss of function.
Hereditary nonpolyposis colorectal neoplasms. Identifiers: MedGen C0009405, MeSH D003123.
Hereditary cancer-predisposing syndrome. Also called: Neoplastic Syndromes, Hereditary; Tumor predisposition; Hereditary Cancer Syndrome; Hereditary neoplastic syndrome. Identifiers: Orphanet 140162, MedGen C0027672, MeSH D009386, MONDO:0015356.

Allele frequency attached by ClinVar (database versions not stated): gnomAD exomes below 0.00001; TOPMed below 0.00001.
gnomAD v4.1: 1 of 1,614,082 alleles (0.000062%); highest among the groups gnomAD compares: Non-Finnish European, 0.000085%; no homozygotes.

Submissions (5):

Labcorp Genetics (formerly Invitae), Labcorp
Classification: Likely benign for Hereditary nonpolyposis colorectal neoplasms. Last evaluated: 2025-05-13. Review status: criteria provided, single submitter. Criteria: Invitae Variant Classification Sherloc (09022015). Collection method: clinical testing. Allele origin: germline.

Myriad Genetics, Inc.
Classification: Benign for Lynch syndrome 5. Last evaluated: 2025-01-07. Review status: criteria provided, single submitter. Criteria: Myriad Autosomal Dominant, Autosomal Recessive and X-Linked Classification Criteria (2023). Collection method: clinical testing. Allele origin: unknown.
Comment: This variant is considered benign. This variant is a silent/synonymous amino acid change and it is not expected to impact splicing.

GeneDx
Classification: Likely benign. Last evaluated: 2019-04-19. Review status: criteria provided, single submitter. Criteria: GeneDx Variant Classification Process June 2021. Collection method: clinical testing. Allele origin: germline. Affected: yes.

Quest Diagnostics Nichols Institute San Juan Capistrano
Classification: Likely benign. Last evaluated: 2017-12-26. Review status: criteria provided, single submitter. Criteria: Quest Diagnostics criteria. Collection method: clinical testing. Allele origin: germline.

Ambry Genetics
Classification: Likely benign for Hereditary cancer-predisposing syndrome. Last evaluated: 2015-08-07. Review status: criteria provided, single submitter. Criteria: Ambry Variant Classification Scheme 2023. Collection method: clinical testing. Allele origin: germline.

NM_000179.3(MSH6):c.3663A>G (p.Thr1221=)

Gene: MSH6 (mutS homolog 6; plus strand). Cytogenetic location: 2p16.3.
Variant type: single nucleotide variant.
Coding change: c.3663A>G on transcript NM_000179.3 (MANE Select); coding-DNA position 3663, A replaced by G.
Protein change: p.Thr1221=; no amino-acid change (threonine 1221 retained).
Molecular consequence: synonymous variant.
Genome position (GRCh38, 1-based): chr2:47,806,220, A>G. VCF-style: chr2-47806220-A-G. GRCh37 (hg19) VCF-style: chr2-48033359-A-G.
Other names: c.3273A>G, p.Thr1091= (NM_001281492.2); c.2757A>G, p.Thr919= (NM_001281493.2, NM_001281494.2).
Identifiers: ClinVar variation 233277 (VCV000233277.19), dbSNP rs876660304, ClinGen allele CA10578154.
Genomic context (GRCh38, chr2:47,806,220, plus strand): 5'-TAATTCCTTTGAGTTACTTCCTTATGCATATTTTACTTTAACAGGAAGAGGTACTGCAAC[A>G]TTTGATGGGACGGCAATAGCAAATGCAGTTGTTAAAGAACTTGCTGAGACTATAAAATGT-3'
Protein context (NP_000170.1, residues 1211-1231): LVDELGRGTA[Thr1221=]FDGTAIANAV